The following is an entry in ClinVar:

NM_003265.3(TLR3):c.847T>C (p.Tyr283His)

Gene: TLR3 (toll like receptor 3; plus strand). Cytogenetic location: 4q35.1.
Variant type: single nucleotide variant.
Coding change: c.847T>C on transcript NM_003265.3 (MANE Select); coding-DNA position 847, T replaced by C.
Protein change: p.Tyr283His; replaces tyrosine 283 with histidine.
Molecular consequence: missense variant.
Genome position (GRCh38, 1-based): chr4:186,082,533, T>C. VCF-style: chr4-186082533-T-C. GRCh37 (hg19) VCF-style: chr4-187003687-T-C.
Other names: short protein forms Y283H.
Identifiers: ClinVar variation 2955522 (VCV002955522.3), dbSNP rs2099303714, ClinGen allele CA358929950.

ClinVar aggregate classification (germline): Uncertain significance (1 of 4 stars; one submission).

Conditions:
Encephalopathy, acute, infection-induced (herpes-specific), susceptibility to, 1. Also called: Herpes simplex encephalitis, susceptibility to, 1. Identifiers: Orphanet 1930, MedGen C2750180, MONDO:0024563, OMIM 610551.

Allele frequency attached by ClinVar (database versions not stated): gnomAD 0.00001; gnomAD exomes 0.00001.
gnomAD v4.1: 21 of 1,614,100 alleles (0.0013%); highest among the groups gnomAD compares: Non-Finnish European, 0.0016%; no homozygotes.

Submission:

Labcorp Genetics (formerly Invitae), Labcorp
Classification: Uncertain significance for Encephalopathy, acute, infection-induced (herpes-specific), susceptibility to, 1. Last evaluated: 2025-11-16. Review status: criteria provided, single submitter. Criteria: Invitae Variant Classification Sherloc (09022015). Collection method: clinical testing. Allele origin: germline.
Comment: This sequence change replaces tyrosine, which is neutral and polar, with histidine, which is basic and polar, at codon 283 of the TLR3 protein (p.Tyr283His). This variant is not present in population databases (gnomAD no frequency). This variant has not been reported in the literature in individuals affected with TLR3-related conditions. ClinVar contains an entry for this variant (Variation ID: 2955522). An algorithm developed to predict the effect of missense changes on protein structure and function outputs the following: PolyPhen-2: "Benign". The histidine amino acid residue is found in multiple mammalian species, which suggests that this missense change does not adversely affect protein function. In summary, the available evidence is currently insufficient to determine the role of this variant in disease. Therefore, it has been classified as a Variant of Uncertain Significance.